The following is an entry in ClinVar:

ClinVar aggregate classification (germline): Uncertain significance. Review status: criteria provided, multiple submitters, no conflicts (2 of 4 stars). 2 submissions from 2 submitters: Uncertain significance (2). Last evaluated 2025-08-15.

Conditions:
Baller-Gerold syndrome (BGS). Also called: CRANIOSYNOSTOSIS WITH RADIAL DEFECTS. Identifiers: Orphanet 1225, MedGen C0265308, MONDO:0009039, OMIM 218600.

Allele frequency attached by ClinVar (database versions not stated): gnomAD 0.00001.
gnomAD v4.1: 7 of 1,575,688 alleles (0.00044%); highest among the groups gnomAD compares: East Asian, 0.0094%; no homozygotes.

Submissions (2):

GeneDx
Classification: Uncertain significance. Last evaluated: 2025-08-15. Review status: criteria provided, single submitter. Criteria: GeneDx Variant Classification Process June 2021. Collection method: clinical testing. Allele origin: germline. Affected: yes.
Comment: In silico analysis supports that this missense variant has a deleterious effect on protein structure/function; Has not been previously published as pathogenic or benign to our knowledge

Labcorp Genetics (formerly Invitae), Labcorp
Classification: Uncertain significance for Baller-Gerold syndrome. Last evaluated: 2025-04-28. Review status: criteria provided, single submitter. Criteria: Invitae Variant Classification Sherloc (09022015). Collection method: clinical testing. Allele origin: germline.
Comment: This sequence change replaces cysteine, which is neutral and slightly polar, with tryptophan, which is neutral and slightly polar, at codon 855 of the RECQL4 protein (p.Cys855Trp). This variant is present in population databases (rs768163180, gnomAD 0.02%). This variant has not been reported in the literature in individuals affected with RECQL4-related conditions. ClinVar contains an entry for this variant (Variation ID: 1052716). Invitae Evidence Modeling of protein sequence and biophysical properties (such as structural, functional, and spatial information, amino acid conservation, physicochemical variation, residue mobility, and thermodynamic stability) indicates that this missense variant is expected to disrupt RECQL4 protein function with a positive predictive value of 80%. In summary, the available evidence is currently insufficient to determine the role of this variant in disease. Therefore, it has been classified as a Variant of Uncertain Significance.

NM_004260.4(RECQL4):c.2565C>G (p.Cys855Trp)

Gene: RECQL4 (RecQ like helicase 4; minus strand). Cytogenetic location: 8q24.3.
Variant type: single nucleotide variant.
Coding change: c.2565C>G on transcript NM_004260.4 (MANE Select); coding-DNA position 2565, C replaced by G.
Protein change: p.Cys855Trp; replaces cysteine 855 with tryptophan.
Molecular consequence: missense variant.
Genome position (GRCh38, 1-based): chr8:144,513,037, G>C on the plus strand (C>G on the coding strand, the complement: RECQL4 is on the minus strand). VCF-style: chr8-144513037-G-C. GRCh37 (hg19) VCF-style: chr8-145738420-G-C.
Other names: c.2565C>G (NM_004260.3); short protein forms C855W.
Identifiers: ClinVar variation 1052716 (VCV001052716.6), dbSNP rs768163180, ClinGen allele CA4948184.
Genomic context (GRCh38, chr8:144,513,037, plus strand): 5'-GGGCACAGGCCTCTCCCCACCCACGGCCCCTTCCTGCTCCGAGGGCGGCCTGGTGCAGGT[G>C]CAGGTGCAGGCTGGGAACACGCGCTGTACCAGCCTCTTCACAGCCAGGAAGTCCGTGCTG-3'
Protein context (NP_004251.4, residues 845-865): LVQRVFPACT[Cys855Trp]TCTRPPSEQE